The following is an entry in ClinVar:

NM_000287.4(PEX6):c.2662C>T (p.Arg888Cys)

Gene: PEX6 (peroxisomal biogenesis factor 6; minus strand). Cytogenetic location: 6p21.1.
Variant type: single nucleotide variant.
Coding change: c.2662C>T on transcript NM_000287.4 (MANE Select); coding-DNA position 2662, C replaced by T.
Protein change: p.Arg888Cys; replaces arginine 888 with cysteine.
Molecular consequence: missense variant. On other transcripts: non-coding transcript variant (1).
Genome position (GRCh38, 1-based): chr6:42,965,079, G>A on the plus strand (C>T on the coding strand, the complement: PEX6 is on the minus strand). VCF-style: chr6-42965079-G-A. GRCh37 (hg19) VCF-style: chr6-42932817-G-A.
Other names: c.2398C>T, p.Arg800Cys (NM_001316313.2); short protein forms R800C, R888C.
Identifiers: ClinVar variation 1044312 (VCV001044312.3), dbSNP rs148251960, ClinGen allele CA3810949.

ClinVar aggregate classification (germline): Uncertain significance. Review status: criteria provided, single submitter (1 of 4 stars). 2 submissions from 2 submitters: Uncertain significance (1). 1 of the submissions does not count toward it. Last evaluated 2022-08-07.

Conditions:
Peroxisome biogenesis disorder. Identifiers: Orphanet 79189, MedGen C1832200, MONDO:0019234. Disease mechanism: loss of function.
Zellweger spectrum disorders (ZS). Also called: Zellweger Spectrum Disorder; Zellweger Spectrum; Zellweger Spectrum Disorder (ZSD); Zellweger syndrome. Identifiers: Orphanet 912, MedGen C0043459, MONDO:0019609.

Allele frequency attached by ClinVar (database versions not stated): gnomAD exomes 0.00001 and 0.00002; ExAC 0.00002; gnomAD 0.00005 and 0.00007; TOPMed 0.00011; ESP Exome Variant Server 0.00015.
gnomAD v4.1: 32 of 1,613,952 alleles (0.002%); highest among the groups gnomAD compares: African/African-American, 0.017%; no homozygotes.

Submissions (2):

Labcorp Genetics (formerly Invitae), Labcorp
Classification: Uncertain significance for Peroxisome biogenesis disorder. Last evaluated: 2022-08-07. Review status: criteria provided, single submitter. Criteria: Invitae Variant Classification Sherloc (09022015). Collection method: clinical testing. Allele origin: germline.
Comment: This sequence change replaces arginine, which is basic and polar, with cysteine, which is neutral and slightly polar, at codon 888 of the PEX6 protein (p.Arg888Cys). This variant is present in population databases (rs148251960, gnomAD 0.02%). This variant has not been reported in the literature in individuals affected with PEX6-related conditions. ClinVar contains an entry for this variant (Variation ID: 1044312). Algorithms developed to predict the effect of missense changes on protein structure and function (SIFT, PolyPhen-2, Align-GVGD) all suggest that this variant is likely to be disruptive. In summary, the available evidence is currently insufficient to determine the role of this variant in disease. Therefore, it has been classified as a Variant of Uncertain Significance.

Natera, Inc.
Classification: Uncertain significance for Zellweger syndrome. Last evaluated: 2020-02-26. Review status: no assertion criteria provided. Collection method: clinical testing. Allele origin: germline. Not counted in ClinVar's aggregate classification.